The following is an entry in ClinVar:

ClinVar aggregate classification (germline): Conflicting classifications of pathogenicity. Review status: criteria provided, conflicting classifications (1 of 4 stars). 2 submissions from 2 submitters: Uncertain significance (1); Likely benign (1). Last evaluated 2020-04-01.

Submissions (2):

Revvity Omics, Revvity
Classification: Uncertain significance. Last evaluated: 2020-04-01. Review status: criteria provided, single submitter. Criteria: ACMG Guidelines, 2015. Collection method: clinical testing. Allele origin: germline.

Laboratory for Molecular Medicine, Mass General Brigham Personalized Medicine
Classification: Likely benign. Last evaluated: 2015-07-15. Review status: criteria provided, single submitter. Criteria: LMM Criteria. Collection method: clinical testing. Allele origin: germline. Observed: 3 variant alleles.
Comment: p.Ile331X (c.990_9901del) in exon 6 of ZNF674: This variant is not expected to h ave clinical significance because it has been identified in 0.4% (26/6239) of Eu ropean chromosomes by the NHLBI Exome Sequence Project (.edu/EVS). This variant is predicted to cause a frameshift, which alters the pro tein?s amino acid sequence beginning at position 331 and leads to an immediate p remature termination codon. This alteration occurs within the last exon and is m ore likely to escape nonsense mediated decay (NMD) and result in a truncated pro tein.

NM_001190417.2(ZNF674):c.975_976del (p.His325_Ile326insTer)

Gene: ZNF674 (zinc finger protein 674; minus strand). Cytogenetic location: Xp11.3.
Variant type: Microsatellite.
Coding change: c.975_976del on transcript NM_001190417.2 (MANE Select); coding-DNA positions 975 to 976, 2 bases deleted (CA; older notation c.975_976delCA).
Protein change: p.His325_Ile326insTer.
Molecular consequence: frameshift variant.
Genome position (GRCh38, 1-based): chrX:46,500,598-46,500,599, TG deleted on the plus strand (CA on the coding strand, the reverse complement: ZNF674 is on the minus strand); deleting any 2 consecutive bases within chrX:46,500,598-46,500,604 gives the same sequence; the c. name uses the placement nearest the transcript's 3' end. VCF-style (leftmost placement, unchanged base first): chrX-46500597-ATG-A. GRCh37 (hg19) VCF-style: chrX-46360032-ATG-A.
Other names: c.990_991del, p.His330_Ile331insTer (NM_001039891.3); c.972_973del, p.His324_Ile325insTer (NM_001146291.2).
Identifiers: ClinVar variation 228241 (VCV000228241.7), dbSNP rs778073001, ClinGen allele CA10393376.